The following is an entry in ClinVar:

ClinVar aggregate classification (germline): Uncertain significance (1 of 4 stars; one submission).

Conditions:
Ullrich congenital muscular dystrophy 2 (UCMD2). Identifiers: Orphanet 75840, MedGen C4225314, MONDO:0014654, OMIM 616470.
Bethlem myopathy 2 (BTHLM2). Identifiers: Orphanet 536516, Orphanet 610, MedGen C4225313, MONDO:0034022, OMIM 616471.

Submission:

Labcorp Genetics (formerly Invitae), Labcorp
Classification: Uncertain significance for Bethlem myopathy 2; Ullrich congenital muscular dystrophy 2. Last evaluated: 2022-10-08. Review status: criteria provided, single submitter. Criteria: Invitae Variant Classification Sherloc (09022015). Collection method: clinical testing. Allele origin: germline.
Comment: Advanced modeling of protein sequence and biophysical properties (such as structural, functional, and spatial information, amino acid conservation, physicochemical variation, residue mobility, and thermodynamic stability) performed at Invitae indicates that this missense variant is not expected to disrupt COL12A1 protein function. This variant has not been reported in the literature in individuals affected with COL12A1-related conditions. This variant is not present in population databases (gnomAD no frequency). This sequence change replaces threonine, which is neutral and polar, with isoleucine, which is neutral and non-polar, at codon 2328 of the COL12A1 protein (p.Thr2328Ile). In summary, the available evidence is currently insufficient to determine the role of this variant in disease. Therefore, it has been classified as a Variant of Uncertain Significance.

NM_004370.6(COL12A1):c.6983C>T (p.Thr2328Ile)

Gene: COL12A1 (collagen type XII alpha 1 chain; minus strand). Cytogenetic location: 6q13.
Variant type: single nucleotide variant.
Coding change: c.6983C>T on transcript NM_004370.6 (MANE Select); coding-DNA position 6983, C replaced by T.
Protein change: p.Thr2328Ile; replaces threonine 2328 with isoleucine.
Molecular consequence: missense variant.
Genome position (GRCh38, 1-based): chr6:75,121,405, G>A on the plus strand (C>T on the coding strand, the complement: COL12A1 is on the minus strand). VCF-style: chr6-75121405-G-A. GRCh37 (hg19) VCF-style: chr6-75831121-G-A.
Other names: c.3491C>T, p.Thr1164Ile (NM_080645.3); short protein forms T1164I, T2328I.
Identifiers: ClinVar variation 1720162 (VCV001720162.6), dbSNP rs2533214350, ClinGen allele CA364750313.